The following is an entry in ClinVar:

NM_177433.3(MAGED2):c.61A>G (p.Lys21Glu)

Gene: MAGED2 (MAGE family member D2; plus strand). Cytogenetic location: Xp11.21.
Variant type: single nucleotide variant.
Coding change: c.61A>G on transcript NM_177433.3 (MANE Select); coding-DNA position 61, A replaced by G.
Protein change: p.Lys21Glu; replaces lysine 21 with glutamic acid.
Molecular consequence: missense variant.
Genome position (GRCh38, 1-based): chrX:54,809,737, A>G. VCF-style: chrX-54809737-A-G. GRCh37 (hg19) VCF-style: chrX-54836170-A-G.
Other names: c.61A>G, p.Lys21Glu (NM_201222.3, NM_014599.6); short protein forms K21E.
Identifiers: ClinVar variation 1985219 (VCV001985219.4), dbSNP rs1322233424, ClinGen allele CA413264251.

ClinVar aggregate classification (germline): Uncertain significance (1 of 4 stars; one submission).

Allele frequency attached by ClinVar (database versions not stated): gnomAD exomes below 0.00001; TOPMed 0.00002.

Submission:

Labcorp Genetics (formerly Invitae), Labcorp
Classification: Uncertain significance. Last evaluated: 2023-05-22. Review status: criteria provided, single submitter. Criteria: Invitae Variant Classification Sherloc (09022015). Collection method: clinical testing. Allele origin: germline.
Comment: This sequence change replaces lysine, which is basic and polar, with glutamic acid, which is acidic and polar, at codon 21 of the MAGED2 protein (p.Lys21Glu). The frequency data for this variant in the population databases is considered unreliable, as metrics indicate poor data quality at this position in the gnomAD database. This variant has not been reported in the literature in individuals affected with MAGED2-related conditions. ClinVar contains an entry for this variant (Variation ID: 1985219). Algorithms developed to predict the effect of missense changes on protein structure and function output the following: SIFT: "Not Available"; PolyPhen-2: "Benign"; Align-GVGD: "Not Available". The glutamic acid amino acid residue is found in multiple mammalian species, which suggests that this missense change does not adversely affect protein function. In summary, the available evidence is currently insufficient to determine the role of this variant in disease. Therefore, it has been classified as a Variant of Uncertain Significance.